The following is an entry in ClinVar:

ClinVar aggregate classification (germline): Likely benign. Review status: criteria provided, multiple submitters, no conflicts (2 of 4 stars). 3 submissions from 3 submitters: Likely benign (3). Last evaluated 2025-12-16.

Conditions:
Hypertrophic cardiomyopathy 1 (CMH1). Also called: Familial hypertrophic cardiomyopathy 1; MYH7-Related Familial Hypertrophic Cardiomyopathy. Identifiers: MedGen C3495498, MONDO:0008647, OMIM 192600.

Allele frequency attached by ClinVar (database versions not stated): gnomAD 0.00001 and 0.00003; gnomAD exomes 0.00001; ExAC 0.00002; TOPMed 0.00003; 1000 Genomes Project 30x 0.00047; 1000 Genomes Project 0.00060.

Submissions (3):

Labcorp Genetics (formerly Invitae), Labcorp
Classification: Likely benign for Hypertrophic cardiomyopathy 1. Last evaluated: 2025-12-16. Review status: criteria provided, single submitter. Criteria: Invitae Variant Classification Sherloc (09022015). Collection method: clinical testing. Allele origin: germline.

Ambry Genetics
Classification: Likely benign. Last evaluated: 2022-09-13. Review status: criteria provided, single submitter. Criteria: Ambry Variant Classification Scheme 2023. Collection method: clinical testing. Allele origin: germline.

GeneDx
Classification: Likely benign. Last evaluated: 2016-10-13. Review status: criteria provided, single submitter. Criteria: GeneDx Variant Classification (06012015). Collection method: clinical testing. Allele origin: germline. Affected: yes.
Comment: This variant is considered likely benign or benign based on one or more of the following criteria: it is a conservative change, it occurs at a poorly conserved position in the protein, it is predicted to be benign by multiple in silico algorithms, and/or has population frequency not consistent with disease.

NM_033118.4(MYLK2):c.1233C>T (p.Asn411=)

Gene: MYLK2 (myosin light chain kinase 2; plus strand). Cytogenetic location: 20q11.21.
Variant type: single nucleotide variant.
Coding change: c.1233C>T on transcript NM_033118.4 (MANE Select); coding-DNA position 1233, C replaced by T.
Protein change: p.Asn411=; no amino-acid change (asparagine 411 retained).
Molecular consequence: synonymous variant.
Genome position (GRCh38, 1-based): chr20:31,830,827, C>T. VCF-style: chr20-31830827-C-T. GRCh37 (hg19) VCF-style: chr20-30418630-C-T.
Identifiers: ClinVar variation 381753 (VCV000381753.11), dbSNP rs200963586, ClinGen allele CA9803149.